The following is an entry in ClinVar:

NM_015459.5(ATL3):c.768T>G (p.Cys256Trp)

Genes: LNCROPM (lncRNA regulator of PLAAT3 mediated phospholipid metabolism; plus strand), ATL3 (atlastin GTPase 3; minus strand). Cytogenetic location: 11q13.1.
Variant type: single nucleotide variant.
Coding change: c.768T>G on transcript NM_015459.5 (MANE Select); coding-DNA position 768, T replaced by G.
Protein change: p.Cys256Trp; replaces cysteine 256 with tryptophan.
Molecular consequence: missense variant.
Genome position (GRCh38, 1-based): chr11:63,643,439, A>C on the plus strand (T>G on the coding strand, the complement: ATL3 is on the minus strand). VCF-style: chr11-63643439-A-C. GRCh37 (hg19) VCF-style: chr11-63410911-A-C.
Other names: c.714T>G, p.Cys238Trp (NM_001290048.2); short protein forms C256W, C238W.
Identifiers: ClinVar variation 3661535 (VCV003661535.2).

ClinVar aggregate classification (germline): Uncertain significance (1 of 4 stars; one submission).

Conditions:
Neuropathy, hereditary sensory, type 1F. Also called: Hereditary sensory neuropathy type IF; HSN IF. Identifiers: Orphanet 36386, MedGen C3810194, MONDO:0014286, OMIM 615632.

gnomAD v4.1: 1 of 1,612,912 alleles (0.000062%); highest among the groups gnomAD compares: Non-Finnish European, 0.000085%; no homozygotes.

Submission:

Labcorp Genetics (formerly Invitae), Labcorp
Classification: Uncertain significance for Neuropathy, hereditary sensory, type 1F. Last evaluated: 2024-08-06. Review status: criteria provided, single submitter. Criteria: Invitae Variant Classification Sherloc (09022015). Collection method: clinical testing. Allele origin: germline.
Comment: This sequence change replaces cysteine, which is neutral and slightly polar, with tryptophan, which is neutral and slightly polar, at codon 256 of the ATL3 protein (p.Cys256Trp). This variant is not present in population databases (gnomAD no frequency). This variant has not been reported in the literature in individuals affected with ATL3-related conditions. Advanced modeling of protein sequence and biophysical properties (such as structural, functional, and spatial information, amino acid conservation, physicochemical variation, residue mobility, and thermodynamic stability) performed at Invitae indicates that this missense variant is expected to disrupt ATL3 protein function with a positive predictive value of 80%. In summary, the available evidence is currently insufficient to determine the role of this variant in disease. Therefore, it has been classified as a Variant of Uncertain Significance.